The following is an entry in ClinVar:

ClinVar aggregate classification (germline): Pathogenic, low penetrance (1 of 4 stars; one submission).

Conditions:
Atypical hemolytic-uremic syndrome. Identifiers: Orphanet 2134, MedGen C2931788, MONDO:0016244.

Submission:

Genomenon, Inc
Classification: Pathogenic, low penetrance for Atypical hemolytic-uremic syndrome. Last evaluated: 2025-10-02. Review status: criteria provided, single submitter. Criteria: Genomenon Sequence Variant Interpretation Standards - Updated. Collection method: curation. Allele origin: germline. Affected: yes.
Comment: CFH p.Arg27GlufsTer6 (c.79_82del) is a frameshift variant that results in the production of a truncated protein which may be subject to nonsense-mediated mRNA decay. This variant has been observed in at least one proband affected with atypical hemolytic-uremic syndrome (PMID:29500241). It is absent or not present at a significant frequency in gnomAD. In conclusion, we classify CFH p.Arg27GlufsTer6 (c.79_82del) as a pathogenic, low penetrance variant.

Literature cited by the submitters: PubMed 29500241.

NM_000186.4(CFH):c.79_82del (p.Arg27fs)

Gene: CFH (complement factor H; plus strand). Cytogenetic location: 1q31.3.
Variant type: Deletion.
Coding change: c.79_82del on transcript NM_000186.4 (MANE Select); coding-DNA positions 79 to 82, 4 bases deleted (AGAA; older notation c.79_82delAGAA).
Protein change: p.Arg27fs; shifts the reading frame from arginine 27.
Molecular consequence: frameshift variant.
Genome position (GRCh38, 1-based): chr1:196,672,998-196,673,001, AGAA deleted; deleting any 4 consecutive bases within chr1:196,672,997-196,673,001 gives the same sequence; the c. name uses the placement nearest the transcript's 3' end. VCF-style (leftmost placement, unchanged base first): chr1-196672996-CAAGA-C. GRCh37 (hg19) VCF-style: chr1-196642126-CAAGA-C.
Other names: c.79_82del, p.Arg27fs (NM_001014975.3); short protein forms R27fs.
Identifiers: ClinVar variation 4291323 (VCV004291323.1).